The following is an entry in ClinVar:

NM_005751.5(AKAP9):c.1264A>C (p.Met422Leu)

Gene: AKAP9 (A-kinase anchoring protein 9; plus strand). Cytogenetic location: 7q21.2.
Variant type: single nucleotide variant.
Coding change: c.1264A>C on transcript NM_005751.5 (MANE Select); coding-DNA position 1264, A replaced by C.
Protein change: p.Met422Leu; replaces methionine 422 with leucine.
Molecular consequence: missense variant.
Genome position (GRCh38, 1-based): chr7:92,001,181, A>C. VCF-style: chr7-92001181-A-C. GRCh37 (hg19) VCF-style: chr7-91630495-A-C.
Other names: c.1264A>C, p.Met422Leu (NM_147185.3); short protein forms M422L.
Identifiers: ClinVar variation 569212 (VCV000569212.9), dbSNP rs1562958328, ClinGen allele CA368121381.

ClinVar aggregate classification (germline): Uncertain significance. Review status: criteria provided, multiple submitters, no conflicts (2 of 4 stars). 2 submissions from 2 submitters: Uncertain significance (2). Last evaluated 2025-08-28.

Conditions:
Cardiovascular phenotype. Identifiers: MedGen CN230736.
Long QT syndrome (LQTS). Identifiers: MedGen C0023976, MeSH D008133, MONDO:0002442. Disease mechanism: loss of function. Inheritance: Various modes of inheritance.

Submissions (2):

Ambry Genetics
Classification: Uncertain significance for Cardiovascular phenotype. Last evaluated: 2025-08-28. Review status: criteria provided, single submitter. Criteria: Ambry Variant Classification Scheme 2023. Collection method: clinical testing. Allele origin: germline.
Comment: The p.M422L variant (also known as c.1264A>C), located in coding exon 8 of the AKAP9 gene, results from an A to C substitution at nucleotide position 1264. The methionine at codon 422 is replaced by leucine, an amino acid with highly similar properties. This amino acid position is conserved. In addition, this alteration is predicted to be tolerated by in silico analysis. Based on the available evidence, the clinical significance of this variant remains unclear.

Labcorp Genetics (formerly Invitae), Labcorp
Classification: Uncertain significance for Long QT syndrome. Last evaluated: 2018-01-28. Review status: criteria provided, single submitter. Criteria: Invitae Variant Classification Sherloc (09022015). Collection method: clinical testing. Allele origin: germline.
Comment: In summary, the available evidence is currently insufficient to determine the role of this variant in disease. Therefore, it has been classified as a Variant of Uncertain Significance. Algorithms developed to predict the effect of missense changes on protein structure and function output the following: SIFT: "Tolerated"; PolyPhen-2: "Benign"; Align-GVGD: "Class C0". The leucine amino acid residue is found in multiple mammalian species, suggesting that this missense change does not adversely affect protein function. These predictions have not been confirmed by published functional studies and their clinical significance is uncertain. This variant has not been reported in the literature in individuals with AKAP9-related disease. This variant is not present in population databases (ExAC no frequency). This sequence change replaces methionine with leucine at codon 422 of the AKAP9 protein (p.Met422Leu). The methionine residue is moderately conserved and there is a small physicochemical difference between methionine and leucine.